The following is an entry in ClinVar:

NM_000222.3(KIT):c.554A>G (p.His185Arg)

Gene: KIT (KIT proto-oncogene, receptor tyrosine kinase; plus strand). Cytogenetic location: 4q12.
Variant type: single nucleotide variant.
Coding change: c.554A>G on transcript NM_000222.3 (MANE Select); coding-DNA position 554, A replaced by G.
Protein change: p.His185Arg; replaces histidine 185 with arginine.
Molecular consequence: missense variant.
Genome position (GRCh38, 1-based): chr4:54,698,500, A>G. VCF-style: chr4-54698500-A-G. GRCh37 (hg19) VCF-style: chr4-55564666-A-G.
Other names: c.554A>G (NM_000222.2); c.554A>G, p.His185Arg (NM_001093772.2, NM_001385284.1, NM_001385285.1 and 4 more transcripts); short protein forms H185R.
Identifiers: ClinVar variation 1357719 (VCV001357719.9), dbSNP rs1720235349, ClinGen allele CA356897888.

ClinVar aggregate classification (germline): Conflicting classifications of pathogenicity. Review status: criteria provided, conflicting classifications (1 of 4 stars). 2 submissions from 2 submitters: Uncertain significance (1); Likely benign (1). Last evaluated 2024-03-23.

Conditions:
Hereditary cancer-predisposing syndrome. Also called: Tumor predisposition; Hereditary Cancer Syndrome; Hereditary neoplastic syndrome; Neoplastic Syndromes, Hereditary. Identifiers: Orphanet 140162, MedGen C0027672, MeSH D009386, MONDO:0015356.
Gastrointestinal stromal tumor. Also called: Gastrointestinal stroma tumor; Gastrointestinal stromal tumor, somatic. Identifiers: Orphanet 44890, MedGen C0238198, MeSH D046152, MONDO:0011719, OMIM 606764, HP:0100723.

Allele frequency attached by ClinVar (database versions not stated): gnomAD exomes below 0.00001.
gnomAD v4.1: 6 of 1,614,180 alleles (0.00037%); highest among the groups gnomAD compares: East Asian, 0.011%; no homozygotes.

Submissions (2):

Ambry Genetics
Classification: Likely benign for Hereditary cancer-predisposing syndrome. Last evaluated: 2024-03-23. Review status: criteria provided, single submitter. Criteria: Ambry Variant Classification Scheme 2023. Collection method: clinical testing. Allele origin: germline.

Labcorp Genetics (formerly Invitae), Labcorp
Classification: Uncertain significance for Gastrointestinal stromal tumor. Last evaluated: 2023-12-31. Review status: criteria provided, single submitter. Criteria: Invitae Variant Classification Sherloc (09022015). Collection method: clinical testing. Allele origin: germline.
Comment: This sequence change replaces histidine, which is basic and polar, with arginine, which is basic and polar, at codon 185 of the KIT protein (p.His185Arg). This variant is not present in population databases (gnomAD no frequency). This variant has not been reported in the literature in individuals affected with KIT-related conditions. ClinVar contains an entry for this variant (Variation ID: 1357719). Algorithms developed to predict the effect of missense changes on protein structure and function output the following: SIFT: "Not Available"; PolyPhen-2: "Benign"; Align-GVGD: "Not Available". The arginine amino acid residue is found in multiple mammalian species, which suggests that this missense change does not adversely affect protein function. In summary, the available evidence is currently insufficient to determine the role of this variant in disease. Therefore, it has been classified as a Variant of Uncertain Significance.